The following is an entry in ClinVar:

NM_000362.5(TIMP3):c.204+9T>C

Genes: SYN3 (synapsin III; minus strand), TIMP3 (TIMP metallopeptidase inhibitor 3; plus strand). Cytogenetic location: 22q12.3.
Variant type: single nucleotide variant.
Coding change: c.204+9T>C on transcript NM_000362.5 (MANE Select); 9 bases into the intron after coding-DNA position 204, T replaced by C.
Molecular consequence: intron variant.
Genome position (GRCh38, 1-based): chr22:32,849,543, T>C. VCF-style: chr22-32849543-T-C. GRCh37 (hg19) VCF-style: chr22-33245530-T-C.
Other names: c.708+15372A>G (NM_001369909.1, NM_001135774.2, NM_001369910.1); c.711+15372A>G (NM_001369907.1, NM_003490.4, NM_001369908.1 and 1 more transcripts).
Identifiers: ClinVar variation 1536540 (VCV001536540.10), dbSNP rs1052704661, ClinGen allele CA323659666.
Genomic context (GRCh38, chr22:32,849,543, plus strand): 5'-GGTAAAGGAGGGGCCCTTCGGCACGCTGGTCTACACCATCAAGCAGATGAAGGTAGGTAA[T>C]GTCATCACCCTGGCTCCGGGAAGGTTTTTGGGTTTTTGCCAGAAGAGTCCTGGCTAAGGG-3'

ClinVar aggregate classification (germline): Likely benign. Review status: criteria provided, single submitter (1 of 4 stars). 2 submissions from 2 submitters: Likely benign (1). 1 of the submissions does not count toward it. Last evaluated 2025-05-12.

Conditions:
SYN3-related disorder. Also called: SYN3-related condition.

Allele frequency attached by ClinVar (database versions not stated): gnomAD exomes below 0.00001; gnomAD 0.00003 and 0.00004; TOPMed 0.00006.
gnomAD v4.1: 12 of 1,612,258 alleles (0.00074%); highest among the groups gnomAD compares: Admixed American, 0.0083%; no homozygotes.

Submissions (2):

Labcorp Genetics (formerly Invitae), Labcorp
Classification: Likely benign. Last evaluated: 2025-05-12. Review status: criteria provided, single submitter. Criteria: Invitae Variant Classification Sherloc (09022015). Collection method: clinical testing. Allele origin: germline.

PreventionGenetics, part of Exact Sciences
Classification: Likely benign for SYN3-related condition. Last evaluated: 2019-11-21. Review status: no assertion criteria provided. Collection method: clinical testing. Allele origin: germline. Not counted in ClinVar's aggregate classification.
Comment: This variant is classified as likely benign based on ACMG/AMP sequence variant interpretation guidelines (Richards et al. 2015 PMID: 25741868, with internal and published modifications).